The following is an entry in ClinVar:

NM_181507.2(HPS5):c.1461_1462delinsAA (p.Gln488Lys)

Gene: HPS5 (HPS5 biogenesis of lysosomal organelles complex 2 subunit 2; minus strand). Cytogenetic location: 11p15.1.
Variant type: Indel.
Coding change: c.1461_1462delinsAA on transcript NM_181507.2 (MANE Select); coding-DNA positions 1461 to 1462, GC replaced by AA.
Protein change: p.Gln488Lys; replaces glutamine 488 with lysine.
Molecular consequence: missense variant.
Genome position (GRCh38, 1-based): chr11:18,296,846-18,296,847, GC replaced by TT on the plus strand (GC replaced by AA on the coding strand, the reverse complement: HPS5 is on the minus strand). VCF-style: chr11-18296846-GC-TT. GRCh37 (hg19) VCF-style: chr11-18318393-GC-TT.
Other names: c.1119_1120delinsAA, p.Gln374Lys (NM_007216.4); c.1119_1120delGCinsAA, p.Gln374Lys (NM_181508.2); short protein forms Q374K, Q488K.
Identifiers: ClinVar variation 1347632 (VCV001347632.5), dbSNP rs2134335158, ClinGen allele CA2573146113.

ClinVar aggregate classification (germline): Uncertain significance (1 of 4 stars; one submission).

Submission:

Labcorp Genetics (formerly Invitae), Labcorp
Classification: Uncertain significance. Last evaluated: 2022-08-26. Review status: criteria provided, single submitter. Criteria: Invitae Variant Classification Sherloc (09022015). Collection method: clinical testing. Allele origin: germline.
Comment: This sequence change replaces glutamine, which is neutral and polar, with lysine, which is basic and polar, at codon 488 of the HPS5 protein (p.Gln488Lys). Information on the frequency of this variant in the gnomAD database is not available, as this variant may be reported differently in the database. This variant has not been reported in the literature in individuals affected with HPS5-related conditions. ClinVar contains an entry for this variant (Variation ID: 1347632). Experimental studies and prediction algorithms are not available or were not evaluated, and the functional significance of this variant is currently unknown. In summary, the available evidence is currently insufficient to determine the role of this variant in disease. Therefore, it has been classified as a Variant of Uncertain Significance.